The following is an entry in ClinVar:

NC_000003.11:g.(?_38888185)_(38913805_?)dup

Gene: SCN11A (sodium voltage-gated channel alpha subunit 11; minus strand). Cytogenetic location: 3p22.2.
Variant type: Duplication.
Identifiers: ClinVar variation 3246933 (VCV003246933.1).

ClinVar aggregate classification (germline): Uncertain significance (1 of 4 stars; one submission).

Conditions:
Familial episodic pain syndrome with predominantly lower limb involvement. Also called: Episodic pain syndrome, familial, 3. Identifiers: Orphanet 391384, Orphanet 391392, MedGen C3809899, MONDO:0014247, OMIM 615552.
Hereditary sensory and autonomic neuropathy type 7. Also called: Neuropathy, hereditary sensory and autonomic, type VII; HSAN VII. Identifiers: Orphanet 391397, MedGen C3809882, MONDO:0014244, OMIM 615548.

Submission:

Labcorp Genetics (formerly Invitae), Labcorp
Classification: Uncertain significance for Familial episodic pain syndrome with predominantly lower limb involvement; Hereditary sensory and autonomic neuropathy type 7. Last evaluated: 2023-07-10. Review status: criteria provided, single submitter. Criteria: Invitae Variant Classification Sherloc (09022015). Collection method: clinical testing. Allele origin: unknown.
Comment: In summary, the available evidence is currently insufficient to determine the role of this variant in disease. Therefore, it has been classified as a Variant of Uncertain Significance. Experimental studies and prediction algorithms are not available or were not evaluated, and the functional significance of this variant is currently unknown. This variant has not been reported in the literature in individuals affected with SCN11A-related conditions. This variant results in a copy number gain of the genomic region encompassing exon(s) 20-26 of the SCN11A gene. This region includes the termination codon of the gene. This copy number gain extends beyond the assayed region for this gene and therefore may encompass additional genes. As the precise location of this event is unknown, it may be in tandem or it may be located elsewhere in the genome.